The following is an entry in ClinVar:

NM_003356.4(UCP3):c.418G>A (p.Val140Met)

Gene: UCP3 (uncoupling protein 3; minus strand). Cytogenetic location: 11q13.4.
Variant type: single nucleotide variant.
Coding change: c.418G>A on transcript NM_003356.4 (MANE Select); coding-DNA position 418, G replaced by A.
Protein change: p.Val140Met; replaces valine 140 with methionine.
Molecular consequence: missense variant.
Genome position (GRCh38, 1-based): chr11:74,005,853, C>T on the plus strand (G>A on the coding strand, the complement: UCP3 is on the minus strand). VCF-style: chr11-74005853-C-T. GRCh37 (hg19) VCF-style: chr11-73716898-C-T.
Other names: c.418G>A, p.Val140Met (NM_022803.3); short protein forms V140M.
Identifiers: ClinVar variation 3349988 (VCV003349988.2).

ClinVar aggregate classification (germline): Uncertain significance (1 of 4 stars; one submission).

Conditions:
UCP3-related disorder. Also called: UCP3-related condition.

Submission:

PreventionGenetics, part of Exact Sciences
Classification: Uncertain significance for UCP3-related condition. Last evaluated: 2025-11-26. Review status: criteria provided, single submitter. Criteria: ACMG Guidelines, 2015. Collection method: clinical testing. Allele origin: germline.
Comment: The UCP3 c.418G>A variant is predicted to result in the amino acid substitution p.Val140Met. To our knowledge, this variant has not been reported in the literature. This variant is reported in 0.0058% of alleles in individuals of Latino descent in gnomAD. At this time, the clinical significance of this variant is uncertain due to the absence of conclusive functional and genetic evidence.